The following is an entry in ClinVar:

ClinVar aggregate classification (germline): Likely pathogenic (1 of 4 stars; one submission).

Conditions:
Progressive familial intrahepatic cholestasis type 1. Also called: Byler's disease; BYLER DISEASE; Severe ATP8B1 Deficiency (Progressive Familial Intrahepatic Cholestasis Type 1 [PFIC1]). Identifiers: Orphanet 79306, MedGen C4551898, MONDO:0008892, OMIM 211600.

Submission:

Center of Genomic medicine, Geneva, University Hospital of Geneva
Classification: Likely pathogenic for Progressive familial intrahepatic cholestasis type 1. Last evaluated: 2023-04-19. Review status: criteria provided, single submitter. Criteria: ACMG Guidelines, 2015. Collection method: clinical testing. Allele origin: paternal. Affected: yes. Observed: 2 variant alleles.
Comment: This variant is present in compound heterozygosity with another variant in the same gene

NM_001374385.1(ATP8B1):c.2609C>G (p.Pro870Arg)

Genes: ATP8B1 (ATPase phospholipid transporting 8B1; minus strand), ATP8B1-AS1 (ATP8B1 antisense RNA 1; plus strand). Cytogenetic location: 18q21.31.
Variant type: single nucleotide variant.
Coding change: c.2609C>G on transcript NM_001374385.1 (MANE Select); coding-DNA position 2609, C replaced by G.
Protein change: p.Pro870Arg; replaces proline 870 with arginine.
Molecular consequence: missense variant.
Genome position (GRCh38, 1-based): chr18:57,661,272, G>C on the plus strand (C>G on the coding strand, the complement: ATP8B1 is on the minus strand). VCF-style: chr18-57661272-G-C. GRCh37 (hg19) VCF-style: chr18-55328504-G-C.
Other names: p.(Pro870Arg); c.2459C>G, p.Pro820Arg (NM_001374386.1); c.2609C>G, p.Pro870Arg (NM_005603.6); short protein forms P820R, P870R.
Identifiers: ClinVar variation 2627550 (VCV002627550.2), dbSNP rs2511652728, ClinGen allele CA402550815.
Genomic context (GRCh38, chr18:57,661,272, plus strand): 5'-GCCAGCGTGATGGCTTTCTTGTACCTCTTCACCAGGTCCACCACCATGGCCTTCTGCTTG[G>C]GGGTGACGCGGCAGCAGATGACTGCGCTGCACTCGCAGGCCAGGTCCACAAAGTTTTTCT-3'
Protein context (NP_001361314.1, residues 860-880): CSAVICCRVT[Pro870Arg]KQKAMVVDLV